The following is an entry in ClinVar:

NM_025179.4(PLXNA2):c.225C>T (p.Gly75=)

Gene: PLXNA2 (plexin A2; minus strand). Cytogenetic location: 1q32.2.
Variant type: single nucleotide variant.
Coding change: c.225C>T on transcript NM_025179.4 (MANE Select); coding-DNA position 225, C replaced by T.
Protein change: p.Gly75=; no amino-acid change (glycine 75 retained).
Molecular consequence: synonymous variant.
Genome position (GRCh38, 1-based): chr1:208,217,698, G>A on the plus strand (C>T on the coding strand, the complement: PLXNA2 is on the minus strand). VCF-style: chr1-208217698-G-A. GRCh37 (hg19) VCF-style: chr1-208391043-G-A.
Identifiers: ClinVar variation 4992899 (VCV004992899.1).
Genomic context (GRCh38, chr1:208,217,698, plus strand): 5'-GTAACAAGACTTGTTGTCCTCTTCTGGCCCTGTCTTATGAGCCACCTGGATGGTCAGGTT[G>A]CCTGTCAGCTTATAGACCCGGTTGATGGCCCCCACATAGACGGCCCCCGTCCCTTGGTGG-3'
Protein context (NP_079455.3, residues 65-85): GAINRVYKLT[Gly75=]NLTIQVAHKT

ClinVar aggregate classification (germline): Likely benign (1 of 4 stars; one submission).

Conditions:
PLXNA2-related disorder. Also called: PLXNA2-related condition.

gnomAD v4.1: 2 of 1,614,122 alleles (0.00012%); highest among the groups gnomAD compares: African/African-American, 0.0027%; no homozygotes.

Submission:

PreventionGenetics, part of Exact Sciences
Classification: Likely benign for PLXNA2-related condition. Last evaluated: 2026-07-28. Review status: criteria provided, single submitter. Criteria: ACMG Guidelines, 2015. Collection method: clinical testing. Allele origin: germline.
Comment: This variant is classified as likely benign based on ACMG/AMP sequence variant interpretation guidelines (Richards et al. 2015 PMID: 25741868, with internal and published modifications).